The following is an entry in ClinVar:

NM_002180.3(IGHMBP2):c.1373T>G (p.Leu458Arg)

Gene: IGHMBP2 (immunoglobulin mu DNA binding protein 2; plus strand). Cytogenetic location: 11q13.3.
Variant type: single nucleotide variant.
Coding change: c.1373T>G on transcript NM_002180.3 (MANE Select); coding-DNA position 1373, T replaced by G.
Protein change: p.Leu458Arg; replaces leucine 458 with arginine.
Molecular consequence: missense variant.
Genome position (GRCh38, 1-based): chr11:68,933,436, T>G. VCF-style: chr11-68933436-T-G. GRCh37 (hg19) VCF-style: chr11-68700904-T-G.
Other names: p.Leu458Arg; c.1373T>G (NM_002180.2); short protein forms L458R.
Identifiers: ClinVar variation 1486583 (VCV001486583.5), dbSNP rs751446350, ClinGen allele CA6153621.

ClinVar aggregate classification (germline): Uncertain significance. Review status: criteria provided, multiple submitters, no conflicts (2 of 4 stars). 3 submissions from 3 submitters: Uncertain significance (3). Last evaluated 2025-01-10.

Conditions:
Inborn genetic diseases. Identifiers: MedGen C0950123, MeSH D030342.
Autosomal recessive distal spinal muscular atrophy 1. Also called: SEVERE INFANTILE AXONAL NEUROPATHY WITH RESPIRATORY FAILURE; SPINAL MUSCULAR ATROPHY, DIAPHRAGMATIC; Spinal muscular atrophy with respiratory distress 1; NEURONOPATHY, DISTAL HEREDITARY MOTOR, HARDING TYPE VI; NEUROPATHY, DISTAL HEREDITARY MOTOR, AUTOSOMAL RECESSIVE 1; HMN VI. Identifiers: Orphanet 98920, MedGen C1858517, MONDO:0011436, OMIM 604320.
Charcot-Marie-Tooth disease axonal type 2S. Also called: CHARCOT-MARIE-TOOTH DISEASE, AXONAL, AUTOSOMAL RECESSIVE, TYPE 2S; CHARCOT-MARIE-TOOTH NEUROPATHY, TYPE 2S. Identifiers: Orphanet 443073, MedGen C4015349, MONDO:0014511, OMIM 616155.

Allele frequency attached by ClinVar (database versions not stated): gnomAD 0.00001; gnomAD exomes 0.00001 and 0.00002; ExAC 0.00004.
gnomAD v4.1: 16 of 1,613,208 alleles (0.00099%); highest among the groups gnomAD compares: Non-Finnish European, 0.0013%; no homozygotes.

Submissions (3):

Ambry Genetics
Classification: Uncertain significance for Inborn genetic diseases. Last evaluated: 2025-01-10. Review status: criteria provided, single submitter. Criteria: Ambry Variant Classification Scheme 2023. Collection method: clinical testing. Allele origin: germline.

Mayo Clinic Laboratories, Mayo Clinic
Classification: Uncertain significance. Last evaluated: 2024-08-06. Review status: criteria provided, single submitter. Criteria: ACMG Guidelines, 2015. Collection method: clinical testing. Allele origin: germline. Observed: 1 variant allele.
Comment: BP4, PM2

Labcorp Genetics (formerly Invitae), Labcorp
Classification: Uncertain significance for Autosomal recessive distal spinal muscular atrophy 1; Charcot-Marie-Tooth disease axonal type 2S. Last evaluated: 2021-08-04. Review status: criteria provided, single submitter. Criteria: Invitae Variant Classification Sherloc (09022015). Collection method: clinical testing. Allele origin: germline.
Comment: This sequence change replaces leucine with arginine at codon 458 of the IGHMBP2 protein (p.Leu458Arg). The leucine residue is weakly conserved and there is a moderate physicochemical difference between leucine and arginine. This variant is present in population databases (rs751446350, ExAC 0.007%). This variant has not been reported in the literature in individuals affected with IGHMBP2-related conditions. Advanced modeling of protein sequence and biophysical properties (such as structural, functional, and spatial information, amino acid conservation, physicochemical variation, residue mobility, and thermodynamic stability) performed at Invitae indicates that this missense variant is not expected to disrupt IGHMBP2 protein function. In summary, the available evidence is currently insufficient to determine the role of this variant in disease. Therefore, it has been classified as a Variant of Uncertain Significance.